The following is an entry in ClinVar:

NM_000147.5(FUCA1):c.1077G>A (p.Gly359=)

Gene: FUCA1 (alpha-L-fucosidase 1; minus strand). Cytogenetic location: 1p36.11.
Variant type: single nucleotide variant.
Coding change: c.1077G>A on transcript NM_000147.5 (MANE Select); coding-DNA position 1077, G replaced by A.
Protein change: p.Gly359=; no amino-acid change (glycine 359 retained).
Molecular consequence: synonymous variant.
Genome position (GRCh38, 1-based): chr1:23,848,732, C>T on the plus strand (G>A on the coding strand, the complement: FUCA1 is on the minus strand). VCF-style: chr1-23848732-C-T. GRCh37 (hg19) VCF-style: chr1-24175222-C-T.
Identifiers: ClinVar variation 1656889 (VCV001656889.32), dbSNP rs777813005, ClinGen allele CA686366.

ClinVar aggregate classification (germline): Likely benign. Review status: criteria provided, multiple submitters, no conflicts (2 of 4 stars). 4 submissions from 4 submitters: Likely benign (4). Last evaluated 2026-04-01.

Conditions:
Fucosidosis. Also called: ALPHA-L-FUCOSIDASE DEFICIENCY. Identifiers: Orphanet 349, MedGen C0016788, MONDO:0009254, OMIM 230000.

Allele frequency attached by ClinVar (database versions not stated): gnomAD exomes 0.00002 and 0.00003; ExAC 0.00003; TOPMed 0.00003; gnomAD 0.00008.
gnomAD v4.1: 53 of 1,614,096 alleles (0.0033%); highest among the groups gnomAD compares: Non-Finnish European, 0.0036%; no homozygotes.

Submissions (4):

CeGaT Center for Human Genetics Tuebingen
Classification: Likely benign. Last evaluated: 2026-04-01. Review status: criteria provided, single submitter. Criteria: CeGaT Center For Human Genetics Tuebingen Variant Classification Criteria Version 2. Collection method: clinical testing. Allele origin: germline. Affected: yes. Observed: 2 variant alleles.
Comment: FUCA1: BP4, BP7

Labcorp Genetics (formerly Invitae), Labcorp
Classification: Likely benign for Fucosidosis. Last evaluated: 2025-08-06. Review status: criteria provided, single submitter. Criteria: Invitae Variant Classification Sherloc (09022015). Collection method: clinical testing. Allele origin: germline.

Laboratory of Genetics, Children's Clinical University Hospital Latvia
Classification: Likely benign. Last evaluated: 2025-02-16. Review status: criteria provided, single submitter. Criteria: ACMG Guidelines, 2015. Collection method: clinical testing. Allele origin: germline. Affected: yes.

Blueprint Genetics
Classification: Likely benign. Last evaluated: 2022-10-05. Review status: criteria provided, single submitter. Criteria: ACMG Guidelines, 2015. Collection method: clinical testing. Allele origin: germline.